The following is an entry in ClinVar:

NM_000231.3(SGCG):c.17A>G (p.Tyr6Cys)

Gene: SGCG (sarcoglycan gamma; plus strand). Cytogenetic location: 13q12.12.
Variant type: single nucleotide variant.
Coding change: c.17A>G on transcript NM_000231.3 (MANE Select); coding-DNA position 17, A replaced by G.
Protein change: p.Tyr6Cys; replaces tyrosine 6 with cysteine.
Molecular consequence: missense variant.
Genome position (GRCh38, 1-based): chr13:23,203,711, A>G. VCF-style: chr13-23203711-A-G. GRCh37 (hg19) VCF-style: chr13-23777850-A-G.
Other names: c.71A>G, p.Tyr24Cys (NM_001378244.1); c.17A>G, p.Tyr6Cys (NM_001378245.1, NM_001378246.1); short protein forms Y6C, Y24C.
Identifiers: ClinVar variation 291214 (VCV000291214.25), dbSNP rs148041867, ClinGen allele CA6909550.

ClinVar aggregate classification (germline): Uncertain significance. Review status: criteria provided, multiple submitters, no conflicts (2 of 4 stars). 8 submissions from 8 submitters: Uncertain significance (7). 1 of the submissions does not count toward it. Last evaluated 2026-04-01.

Conditions:
Sarcoglycanopathy. Identifiers: Orphanet 207052, MedGen C2936331, MONDO:0016140.
Autosomal recessive limb-girdle muscular dystrophy type 2C (LGMDR5). Also called: MUSCULAR DYSTROPHY, LIMB-GIRDLE, AUTOSOMAL RECESSIVE 5; MUSCULAR DYSTROPHY, DUCHENNE-LIKE. Identifiers: Orphanet 353, MedGen C0410173, MONDO:0009677, OMIM 253700. Disease mechanism: Affects gamma-sarcoglycan and also disrupts the integrity of the entire sarcoglycan complex..

Allele frequency attached by ClinVar (database versions not stated): gnomAD 0.00009; TOPMed 0.00009; gnomAD exomes 0.00011 and 0.00015; ESP Exome Variant Server 0.00015; ExAC 0.00020.
gnomAD v4.1: 240 of 1,613,142 alleles (0.015%); highest among the groups gnomAD compares: Non-Finnish European, 0.019%; no homozygotes.

Submissions (8):

CeGaT Center for Human Genetics Tuebingen
Classification: Uncertain significance. Last evaluated: 2026-04-01. Review status: criteria provided, single submitter. Criteria: CeGaT Center For Human Genetics Tuebingen Variant Classification Criteria Version 2. Collection method: clinical testing. Allele origin: germline. Affected: yes. Observed: 1 variant allele.
Comment: SGCG: PM2

Revvity Omics, Revvity
Classification: Uncertain significance for Autosomal recessive limb-girdle muscular dystrophy type 2C. Last evaluated: 2025-04-24. Review status: criteria provided, single submitter. Criteria: ACMG Guidelines, 2015. Collection method: clinical testing. Allele origin: germline.

GeneDx
Classification: Uncertain significance. Last evaluated: 2023-03-05. Review status: criteria provided, single submitter. Criteria: GeneDx Variant Classification Process June 2021. Collection method: clinical testing. Allele origin: germline. Affected: yes.
Comment: Missense variants in this gene are often considered pathogenic (HGMD); In silico analysis supports that this missense variant has a deleterious effect on protein structure/function; Has not been previously published as pathogenic or benign to our knowledge

Labcorp Genetics (formerly Invitae), Labcorp
Classification: Uncertain significance for Autosomal recessive limb-girdle muscular dystrophy type 2C. Last evaluated: 2022-08-16. Review status: criteria provided, single submitter. Criteria: Invitae Variant Classification Sherloc (09022015). Collection method: clinical testing. Allele origin: germline.
Comment: This sequence change replaces tyrosine, which is neutral and polar, with cysteine, which is neutral and slightly polar, at codon 6 of the SGCG protein (p.Tyr6Cys). This variant is present in population databases (rs148041867, gnomAD 0.02%). This variant has not been reported in the literature in individuals affected with SGCG-related conditions. ClinVar contains an entry for this variant (Variation ID: 291214). Algorithms developed to predict the effect of missense changes on protein structure and function are either unavailable or do not agree on the potential impact of this missense change (SIFT: "Tolerated"; PolyPhen-2: "Probably Damaging"; Align-GVGD: "Class C25"). In summary, the available evidence is currently insufficient to determine the role of this variant in disease. Therefore, it has been classified as a Variant of Uncertain Significance.

Center for Genomics, Ann and Robert H. Lurie Children's Hospital of Chicago
Classification: Uncertain significance for Autosomal recessive limb-girdle muscular dystrophy type 2C. Last evaluated: 2021-03-30. Review status: criteria provided, single submitter. Criteria: ACMG Guidelines, 2015. Collection method: clinical testing. Allele origin: germline.
Comment: SGCG NM_000231.2 exon 2 p.Tyr6Cys (c.17A>G): This variant has not been reported in the literature but is present in 0.02% (31/128292) of European alleles in the Genome Aggregation Database. This variant is present in ClinVar (Variation ID:291214). Evolutionary conservation suggests that this variant may impact the protein; computational predictive tools for this variant are unclear. In summary, data on this variant is insufficient for disease classification. Therefore, the clinical significance of this variant is uncertain.

Illumina Laboratory Services, Illumina
Classification: Uncertain significance for Sarcoglycanopathy. Last evaluated: 2017-10-30. Review status: criteria provided, single submitter. Criteria: ICSL Variant Classification Criteria 13 December 2019. Collection method: clinical testing. Allele origin: germline.

Eurofins Ntd Llc (ga)
Classification: Uncertain significance. Last evaluated: 2016-09-15. Review status: criteria provided, single submitter. Criteria: EGL Classification Definitions 2015. Collection method: clinical testing. Allele origin: germline. Observed: 1 variant allele, 1 heterozygote.

Natera, Inc.
Classification: Uncertain significance for Limb-girdle muscular dystrophy type 2C. Last evaluated: 2020-09-16. Review status: no assertion criteria provided. Collection method: clinical testing. Allele origin: germline. Not counted in ClinVar's aggregate classification.